The following is an entry in ClinVar:

NM_002361.4(MAG):c.920C>T (p.Ala307Val)

Gene: MAG (myelin associated glycoprotein; plus strand). Cytogenetic location: 19q13.12.
Variant type: single nucleotide variant.
Coding change: c.920C>T on transcript NM_002361.4 (MANE Select); coding-DNA position 920, C replaced by T.
Protein change: p.Ala307Val; replaces alanine 307 with valine.
Molecular consequence: missense variant.
Genome position (GRCh38, 1-based): chr19:35,300,354, C>T. VCF-style: chr19-35300354-C-T. GRCh37 (hg19) VCF-style: chr19-35791257-C-T.
Other names: c.845C>T, p.Ala282Val (NM_001199216.2); c.920C>T, p.Ala307Val (NM_080600.3); short protein forms A307V, A282V.
Identifiers: ClinVar variation 2051813 (VCV002051813.5), dbSNP rs766654454, ClinGen allele CA405311238.

ClinVar aggregate classification (germline): Uncertain significance. Review status: criteria provided, multiple submitters, no conflicts (2 of 4 stars). 2 submissions from 2 submitters: Uncertain significance (2). Last evaluated 2022-07-19.

Conditions:
Hereditary spastic paraplegia 75. Also called: Spastic paraplegia 75, autosomal recessive. Identifiers: Orphanet 459056, MedGen C4225250, MONDO:0014729, OMIM 616680.
Inborn genetic diseases. Identifiers: MedGen C0950123, MeSH D030342.

Allele frequency attached by ClinVar (database versions not stated): gnomAD 0.00001.
gnomAD v4.1: 2 of 1,596,742 alleles (0.00013%); highest among the groups gnomAD compares: Non-Finnish European, 0.00017%; no homozygotes.

Submissions (2):

Labcorp Genetics (formerly Invitae), Labcorp
Classification: Uncertain significance for Hereditary spastic paraplegia 75. Last evaluated: 2022-07-19. Review status: criteria provided, single submitter. Criteria: Invitae Variant Classification Sherloc (09022015). Collection method: clinical testing. Allele origin: germline.
Comment: In summary, the available evidence is currently insufficient to determine the role of this variant in disease. Therefore, it has been classified as a Variant of Uncertain Significance. Algorithms developed to predict the effect of missense changes on protein structure and function are either unavailable or do not agree on the potential impact of this missense change (SIFT: "Deleterious"; PolyPhen-2: "Benign"; Align-GVGD: "Class C0"). This variant has not been reported in the literature in individuals affected with MAG-related conditions. This variant is present in population databases (no rsID available, gnomAD 0.007%). This sequence change replaces alanine, which is neutral and non-polar, with valine, which is neutral and non-polar, at codon 307 of the MAG protein (p.Ala307Val).

Ambry Genetics
Classification: Uncertain significance for Inborn genetic diseases. Last evaluated: 2021-06-01. Review status: criteria provided, single submitter. Criteria: Ambry Variant Classification Scheme 2023. Collection method: clinical testing. Allele origin: germline.